The following is an entry in ClinVar:

NM_003924.4(PHOX2B):c.235G>T (p.Ala79Ser)

Genes: PHOX2B-AS1 (PHOX2B antisense RNA 1; plus strand), PHOX2B (paired like homeobox 2B; minus strand). Cytogenetic location: 4p13.
Variant type: single nucleotide variant.
Coding change: c.235G>T on transcript NM_003924.4 (MANE Select); coding-DNA position 235, G replaced by T.
Protein change: p.Ala79Ser; replaces alanine 79 with serine.
Molecular consequence: missense variant.
Genome position (GRCh38, 1-based): chr4:41,748,376, C>A on the plus strand (G>T on the coding strand, the complement: PHOX2B is on the minus strand). VCF-style: chr4-41748376-C-A. GRCh37 (hg19) VCF-style: chr4-41750393-C-A.
Other names: short protein forms A79S.
Identifiers: ClinVar variation 2166673 (VCV002166673.5), dbSNP rs1733979302, ClinGen allele CA356740756.

ClinVar aggregate classification (germline): Uncertain significance. Review status: criteria provided, multiple submitters, no conflicts (2 of 4 stars). 2 submissions from 2 submitters: Uncertain significance (2). Last evaluated 2023-09-29.

Conditions:
Hereditary cancer-predisposing syndrome. Also called: Hereditary neoplastic syndrome; Neoplastic Syndromes, Hereditary; Hereditary Cancer Syndrome; Tumor predisposition. Identifiers: Orphanet 140162, MedGen C0027672, MeSH D009386, MONDO:0015356.
Haddad syndrome (OHD). Also called: Ondine-Hirschsprung disease. Identifiers: Orphanet 99803, MedGen C1859049, MONDO:0020493.

Submissions (2):

Ambry Genetics
Classification: Uncertain significance for Hereditary cancer-predisposing syndrome. Last evaluated: 2023-09-29. Review status: criteria provided, single submitter. Criteria: Ambry Variant Classification Scheme 2023. Collection method: clinical testing. Allele origin: germline.
Comment: The p.A79S variant (also known as c.235G>T), located in coding exon 1 of the PHOX2B gene, results from a G to T substitution at nucleotide position 235. The alanine at codon 79 is replaced by serine, an amino acid with similar properties. This amino acid position is conserved. In addition, the in silico prediction for this alteration is inconclusive. Since supporting evidence is limited at this time, the clinical significance of this alteration remains unclear.

Labcorp Genetics (formerly Invitae), Labcorp
Classification: Uncertain significance for Haddad syndrome. Last evaluated: 2023-01-29. Review status: criteria provided, single submitter. Criteria: Invitae Variant Classification Sherloc (09022015). Collection method: clinical testing. Allele origin: germline.
Comment: This sequence change replaces alanine, which is neutral and non-polar, with serine, which is neutral and polar, at codon 79 of the PHOX2B protein (p.Ala79Ser). This variant is not present in population databases (gnomAD no frequency). This variant has not been reported in the literature in individuals affected with PHOX2B-related conditions. Advanced modeling of protein sequence and biophysical properties (such as structural, functional, and spatial information, amino acid conservation, physicochemical variation, residue mobility, and thermodynamic stability) performed at Invitae indicates that this missense variant is not expected to disrupt PHOX2B protein function. In summary, the available evidence is currently insufficient to determine the role of this variant in disease. Therefore, it has been classified as a Variant of Uncertain Significance.